The following is an entry in ClinVar:

ClinVar aggregate classification (germline): Uncertain significance (0 of 4 stars; one submission).

Conditions:
PDGFRA-related disorder. Also called: PDGFRA-related condition.

Submission:

PreventionGenetics, part of Exact Sciences
Classification: Uncertain significance for PDGFRA-related condition. Last evaluated: 2024-03-08. Review status: no assertion criteria provided. Collection method: clinical testing. Allele origin: germline.
Comment: The PDGFRA c.1568C>A variant is predicted to result in the amino acid substitution p.Ser523Tyr. To our knowledge, this variant has not been reported in the literature or in a large population database, indicating this variant is rare. At this time, the clinical significance of this variant is uncertain due to the absence of conclusive functional and genetic evidence.

NM_006206.6(PDGFRA):c.1568C>A (p.Ser523Tyr)

Gene: PDGFRA (platelet derived growth factor receptor alpha; plus strand). Cytogenetic location: 4q12.
Variant type: single nucleotide variant.
Coding change: c.1568C>A on transcript NM_006206.6 (MANE Select); coding-DNA position 1568, C replaced by A.
Protein change: p.Ser523Tyr; replaces serine 523 with tyrosine.
Molecular consequence: missense variant.
Genome position (GRCh38, 1-based): chr4:54,274,540, C>A. VCF-style: chr4-54274540-C-A. GRCh37 (hg19) VCF-style: chr4-55140707-C-A.
Other names: c.1568C>A, p.Ser523Tyr (NM_001347827.2, NM_001347829.2); c.1643C>A, p.Ser548Tyr (NM_001347828.2); c.1607C>A, p.Ser536Tyr (NM_001347830.2); short protein forms S523Y, S536Y, S548Y.
Identifiers: ClinVar variation 3349919 (VCV003349919.1).